The following is an entry in ClinVar:

NM_000632.4(ITGAM):c.2344A>T (p.Ile782Phe)

Gene: ITGAM (integrin subunit alpha M; plus strand). Cytogenetic location: 16p11.2.
Variant type: single nucleotide variant.
Coding change: c.2344A>T on transcript NM_000632.4 (MANE Select); coding-DNA position 2344, A replaced by T.
Protein change: p.Ile782Phe; replaces isoleucine 782 with phenylalanine.
Molecular consequence: missense variant.
Genome position (GRCh38, 1-based): chr16:31,325,012, A>T. VCF-style: chr16-31325012-A-T. GRCh37 (hg19) VCF-style: chr16-31336333-A-T.
Other names: c.2347A>T, p.Ile783Phe (NM_001145808.2); short protein forms I782F, I783F.
Identifiers: ClinVar variation 1505831 (VCV001505831.6), dbSNP rs2144492939, ClinGen allele CA395690200.
Genomic context (GRCh38, chr16:31,325,012, plus strand): 5'-TAAAAGTTTCCCTTTGAGAAGAATTGTGGCAATGACAACATCTGCCAGGATGACCTCAGC[A>T]TCACCTTCAGTTTCATGAGGTGAGTTTCCTTTCCTCCTCACCTCCTCCAGAGAAGGACCC-3'
Protein context (NP_000623.2, residues 772-792): NDNICQDDLS[Ile782Phe]TFSFMSLDCL

ClinVar aggregate classification (germline): Uncertain significance (1 of 4 stars; one submission).

Submission:

Labcorp Genetics (formerly Invitae), Labcorp
Classification: Uncertain significance. Last evaluated: 2021-12-02. Review status: criteria provided, single submitter. Criteria: Invitae Variant Classification Sherloc (09022015). Collection method: clinical testing. Allele origin: germline.
Comment: In summary, the available evidence is currently insufficient to determine the role of this variant in disease. Therefore, it has been classified as a Variant of Uncertain Significance. Algorithms developed to predict the effect of missense changes on protein structure and function are either unavailable or do not agree on the potential impact of this missense change (SIFT: "Deleterious"; PolyPhen-2: "Possibly Damaging"; Align-GVGD: "Class C0"). This variant has not been reported in the literature in individuals affected with ITGAM-related conditions. This variant is not present in population databases (gnomAD no frequency). This sequence change replaces isoleucine, which is neutral and non-polar, with phenylalanine, which is neutral and non-polar, at codon 782 of the ITGAM protein (p.Ile782Phe).